The following is an entry in ClinVar:

NM_001206927.2(DNAH8):c.3689T>C (p.Leu1230Pro)

Gene: DNAH8 (dynein axonemal heavy chain 8; plus strand). Cytogenetic location: 6p21.2.
Variant type: single nucleotide variant.
Coding change: c.3689T>C on transcript NM_001206927.2 (MANE Select); coding-DNA position 3689, T replaced by C.
Protein change: p.Leu1230Pro; replaces leucine 1230 with proline.
Molecular consequence: missense variant.
Genome position (GRCh38, 1-based): chr6:38,823,003, T>C. VCF-style: chr6-38823003-T-C. GRCh37 (hg19) VCF-style: chr6-38790779-T-C.
Other names: c.3038T>C, p.Leu1013Pro (NM_001371.4); short protein forms L1013P, L1230P.
Identifiers: ClinVar variation 1715707 (VCV001715707.6), dbSNP rs2532636751, ClinGen allele CA363992473.

ClinVar aggregate classification (germline): Uncertain significance (1 of 4 stars; one submission).

Conditions:
Primary ciliary dyskinesia. Also called: Ciliary dyskinesia. Identifiers: Orphanet 244, MedGen C0008780, MONDO:0016575, HP:0012265.

Submission:

Labcorp Genetics (formerly Invitae), Labcorp
Classification: Uncertain significance for Primary ciliary dyskinesia. Last evaluated: 2022-11-22. Review status: criteria provided, single submitter. Criteria: Invitae Variant Classification Sherloc (09022015). Collection method: clinical testing. Allele origin: germline.
Comment: In summary, the available evidence is currently insufficient to determine the role of this variant in disease. Therefore, it has been classified as a Variant of Uncertain Significance. Algorithms developed to predict the effect of missense changes on protein structure and function are either unavailable or do not agree on the potential impact of this missense change (SIFT: "Deleterious"; PolyPhen-2: "Not Available"; Align-GVGD: "Class C0"). This variant has not been reported in the literature in individuals affected with DNAH8-related conditions. This variant is not present in population databases (gnomAD no frequency). This sequence change replaces leucine, which is neutral and non-polar, with proline, which is neutral and non-polar, at codon 1230 of the DNAH8 protein (p.Leu1230Pro).